The following is an entry in ClinVar:

NM_032043.3(BRIP1):c.165C>T (p.Ala55=)

Gene: BRIP1 (BRCA1 interacting DNA helicase 1; minus strand). Cytogenetic location: 17q23.2.
Variant type: single nucleotide variant.
Coding change: c.165C>T on transcript NM_032043.3 (MANE Select); coding-DNA position 165, C replaced by T.
Protein change: p.Ala55=; no amino-acid change (alanine 55 retained).
Molecular consequence: synonymous variant.
Genome position (GRCh38, 1-based): chr17:61,859,836, G>A on the plus strand (C>T on the coding strand, the complement: BRIP1 is on the minus strand). VCF-style: chr17-61859836-G-A. GRCh37 (hg19) VCF-style: chr17-59937197-G-A.
Other names: c.165C>T (NM_032043.2).
Identifiers: ClinVar variation 1653817 (VCV001653817.12), dbSNP rs1603367680, ClinGen allele CA501151649.

ClinVar aggregate classification (germline): Benign/Likely benign. Review status: criteria provided, multiple submitters, no conflicts (2 of 4 stars). 3 submissions from 3 submitters: Benign (1); Likely benign (2). Last evaluated 2025-12-08.

Conditions:
Hereditary cancer-predisposing syndrome. Also called: Hereditary Cancer Syndrome; Neoplastic Syndromes, Hereditary; Hereditary neoplastic syndrome; Tumor predisposition. Identifiers: Orphanet 140162, MedGen C0027672, MeSH D009386, MONDO:0015356.
Familial cancer of breast. Also called: hereditary breast carcinoma; BREAST CANCER, FAMILIAL; Hereditary breast cancer. Identifiers: Orphanet 227535, MedGen C0346153, MONDO:0016419, OMIM 114480. Disease mechanism: loss of function.
Fanconi anemia complementation group J. Also called: BRIP1-Related Fanconi Anemia. Identifiers: Orphanet 84, MedGen C1836860, MONDO:0012187, OMIM 609054.

Allele frequency attached by ClinVar (database versions not stated): gnomAD exomes below 0.00001.
gnomAD v4.1: 2 of 1,613,928 alleles (0.00012%); highest among the groups gnomAD compares: Non-Finnish European, 0.00017%; no homozygotes.

Submissions (3):

Labcorp Genetics (formerly Invitae), Labcorp
Classification: Likely benign for Familial cancer of breast; Fanconi anemia complementation group J. Last evaluated: 2025-12-08. Review status: criteria provided, single submitter. Criteria: Invitae Variant Classification Sherloc (09022015). Collection method: clinical testing. Allele origin: germline.

Myriad Genetics, Inc.
Classification: Benign for Familial cancer of breast. Last evaluated: 2024-08-09. Review status: criteria provided, single submitter. Criteria: Myriad Autosomal Dominant, Autosomal Recessive and X-Linked Classification Criteria (2023). Collection method: clinical testing. Allele origin: unknown.
Comment: This variant is considered benign. This variant is a silent/synonymous amino acid change and it is not expected to impact splicing.

Ambry Genetics
Classification: Likely benign for Hereditary cancer-predisposing syndrome. Last evaluated: 2023-05-08. Review status: criteria provided, single submitter. Criteria: Ambry Variant Classification Scheme 2023. Collection method: clinical testing. Allele origin: germline.